The following is an entry in ClinVar:

ClinVar aggregate classification (germline): Uncertain significance (1 of 4 stars; one submission).

Conditions:
Cardiovascular phenotype. Identifiers: MedGen CN230736.

Submission:

Ambry Genetics
Classification: Uncertain significance for Cardiovascular phenotype. Last evaluated: 2019-06-30. Review status: criteria provided, single submitter. Criteria: Ambry Variant Classification Scheme 2023. Collection method: clinical testing. Allele origin: germline.
Comment: The p.P11587R variant (also known as c.34760C>G), located in coding exon 131 of the TTN gene, results from a C to G substitution at nucleotide position 34760. The proline at codon 11587 is replaced by arginine, an amino acid with dissimilar properties. This amino acid position is highly conserved in available vertebrate species. In addition, this alteration is predicted to be tolerated by in silico analysis. Since supporting evidence is limited at this time, the clinical significance of this alteration remains unclear.

NM_001267550.2(TTN):c.61955C>G (p.Pro20652Arg)

Genes: TTN (titin; minus strand), TTN-AS1 (TTN antisense RNA 1; plus strand). Cytogenetic location: 2q31.2.
Variant type: single nucleotide variant.
Coding change: c.61955C>G on transcript NM_001267550.2 (MANE Select); coding-DNA position 61955, C replaced by G.
Protein change: p.Pro20652Arg; replaces proline 20652 with arginine.
Molecular consequence: missense variant.
Genome position (GRCh38, 1-based): chr2:178,589,770, G>C on the plus strand (C>G on the coding strand, the complement: TTN is on the minus strand). VCF-style: chr2-178589770-G-C. GRCh37 (hg19) VCF-style: chr2-179454497-G-C.
Other names: c.57032C>G, p.Pro19011Arg (NM_001256850.1); c.34760C>G, p.Pro11587Arg (NM_003319.4); c.54251C>G, p.Pro18084Arg (NM_133378.4); c.35135C>G, p.Pro11712Arg (NM_133432.3); c.35336C>G, p.Pro11779Arg (NM_133437.4); short protein forms P11587R, P18084R, P11779R, P19011R, P11712R, P20652R.
Identifiers: ClinVar variation 1731781 (VCV001731781.2), dbSNP rs2469407502, ClinGen allele CA349467088.